The following is an entry in ClinVar:

NM_020964.3(EPG5):c.3505A>T (p.Met1169Leu)

Gene: EPG5 (ectopic P-granules 5 autophagy tethering factor; minus strand). Cytogenetic location: 18q21.1.
Variant type: single nucleotide variant.
Coding change: c.3505A>T on transcript NM_020964.3 (MANE Select); coding-DNA position 3505, A replaced by T.
Protein change: p.Met1169Leu; replaces methionine 1169 with leucine.
Molecular consequence: missense variant.
Genome position (GRCh38, 1-based): chr18:45,916,086, T>A on the plus strand (A>T on the coding strand, the complement: EPG5 is on the minus strand). VCF-style: chr18-45916086-T-A. GRCh37 (hg19) VCF-style: chr18-43496051-T-A.
Other names: c.3505A>T, p.Met1169Leu (NM_001410858.1, NM_001410859.1); short protein forms M1169L.
Identifiers: ClinVar variation 2144191 (VCV002144191.1), dbSNP rs747668301, ClinGen allele CA8949150.

ClinVar aggregate classification (germline): Uncertain significance (1 of 4 stars; one submission).

Conditions:
Vici syndrome (VICIS). Identifiers: Orphanet 1493, MedGen C1855772, MONDO:0009452, OMIM 242840.

Allele frequency attached by ClinVar (database versions not stated): gnomAD 0.00001; ExAC 0.00002; TOPMed 0.00002.

Submission:

Labcorp Genetics (formerly Invitae), Labcorp
Classification: Uncertain significance for Vici syndrome. Last evaluated: 2022-08-09. Review status: criteria provided, single submitter. Criteria: Invitae Variant Classification Sherloc (09022015). Collection method: clinical testing. Allele origin: germline.
Comment: This sequence change replaces methionine, which is neutral and non-polar, with leucine, which is neutral and non-polar, at codon 1169 of the EPG5 protein (p.Met1169Leu). This variant is present in population databases (rs747668301, gnomAD 0.02%). This variant has not been reported in the literature in individuals affected with EPG5-related conditions. Algorithms developed to predict the effect of missense changes on protein structure and function are either unavailable or do not agree on the potential impact of this missense change (SIFT: "Tolerated"; PolyPhen-2: "Possibly Damaging"; Align-GVGD: "Class C0"). In summary, the available evidence is currently insufficient to determine the role of this variant in disease. Therefore, it has been classified as a Variant of Uncertain Significance.